The following is an entry in ClinVar:

ClinVar aggregate classification (germline): Likely benign. Review status: criteria provided, multiple submitters, no conflicts (2 of 4 stars). 3 submissions from 3 submitters: Likely benign (2). 1 of the submissions does not count toward it. Last evaluated 2025-02-01.

Conditions:
Inborn genetic diseases. Identifiers: MedGen C0950123, MeSH D030342.
ARID2-related disorder. Also called: ARID2-related condition.

Allele frequency attached by ClinVar (database versions not stated): gnomAD exomes 0.00004; ExAC 0.00005; gnomAD 0.00005.
gnomAD v4.1: 65 of 1,613,948 alleles (0.004%); highest among the groups gnomAD compares: Admixed American, 0.017%; no homozygotes.

Submissions (3):

CeGaT Center for Human Genetics Tuebingen
Classification: Likely benign. Last evaluated: 2025-02-01. Review status: criteria provided, single submitter. Criteria: CeGaT Center For Human Genetics Tuebingen Variant Classification Criteria Version 2. Collection method: clinical testing. Allele origin: germline. Affected: yes. Observed: 1 variant allele.
Comment: ARID2: BP4

Ambry Genetics
Classification: Likely benign for Inborn genetic diseases. Last evaluated: 2021-07-13. Review status: criteria provided, single submitter. Criteria: Ambry Variant Classification Scheme 2023. Collection method: clinical testing. Allele origin: germline.

PreventionGenetics, part of Exact Sciences
Classification: Likely benign for ARID2-related condition. Last evaluated: 2023-06-30. Review status: no assertion criteria provided. Collection method: clinical testing. Allele origin: germline. Not counted in ClinVar's aggregate classification.
Comment: This variant is classified as likely benign based on ACMG/AMP sequence variant interpretation guidelines (Richards et al. 2015 PMID: 25741868, with internal and published modifications).

NM_152641.4(ARID2):c.4511G>A (p.Arg1504Gln)

Gene: ARID2 (AT-rich interaction domain 2; plus strand). Cytogenetic location: 12q12.
Variant type: single nucleotide variant.
Coding change: c.4511G>A on transcript NM_152641.4 (MANE Select); coding-DNA position 4511, G replaced by A.
Protein change: p.Arg1504Gln; replaces arginine 1504 with glutamine.
Molecular consequence: missense variant.
Genome position (GRCh38, 1-based): chr12:45,852,634, G>A. VCF-style: chr12-45852634-G-A. GRCh37 (hg19) VCF-style: chr12-46246417-G-A.
Other names: c.4511G>A, p.Arg1504Gln (NM_001347839.2); c.4511G>A (NM_152641.3); short protein forms R1504Q.
Identifiers: ClinVar variation 2379923 (VCV002379923.17), dbSNP rs778810498, ClinGen allele CA6526679.